The following is an entry in ClinVar:

NM_001080449.3(DNA2):c.712C>G (p.Leu238Val)

Gene: DNA2 (DNA replication helicase/nuclease 2; minus strand). Cytogenetic location: 10q21.3.
Variant type: single nucleotide variant.
Coding change: c.712C>G on transcript NM_001080449.3 (MANE Select); coding-DNA position 712, C replaced by G.
Protein change: p.Leu238Val; replaces leucine 238 with valine.
Molecular consequence: missense variant. On other transcripts: non-coding transcript variant (1).
Genome position (GRCh38, 1-based): chr10:68,459,111, G>C on the plus strand (C>G on the coding strand, the complement: DNA2 is on the minus strand). VCF-style: chr10-68459111-G-C. GRCh37 (hg19) VCF-style: chr10-70218868-G-C.
Other names: c.712C>G (NM_001080449.2); short protein forms L238V.
Identifiers: ClinVar variation 1415789 (VCV001415789.8), dbSNP rs774208232, ClinGen allele CA5525236.
Genomic context (GRCh38, chr10:68,459,111, plus strand): 5'-ATCCTGGTCTAAAAATATGAAGACTATATATATAAACAAAATGTGTTTCTTACAGAGAGA[G>C]CTGCATCTGAGGGAAGTCAGTCGAAGTGTTTTTATGCATGAAATCTCCTGCCCATTTACA-3'
Protein context (NP_001073918.2, residues 228-248): NTSTDFPQMQ[Leu238Val]SLPSDNSKDN

ClinVar aggregate classification (germline): Uncertain significance. Review status: criteria provided, multiple submitters, no conflicts (2 of 4 stars). 2 submissions from 2 submitters: Uncertain significance (2). Last evaluated 2025-10-30.

Conditions:
DNA2-related disorder. Also called: DNA2-related condition.

Allele frequency attached by ClinVar (database versions not stated): gnomAD exomes 0.00012 and 0.00002; TOPMed 0.00002; gnomAD 0.00003 and 0.00004; ExAC 0.00006.
gnomAD v4.1: 167 of 1,596,754 alleles (0.01%); highest among the groups gnomAD compares: Non-Finnish European, 0.014%; no homozygotes.

Submissions (2):

PreventionGenetics, part of Exact Sciences
Classification: Uncertain significance for DNA2-related condition. Last evaluated: 2025-10-30. Review status: criteria provided, single submitter. Criteria: ACMG Guidelines, 2015. Collection method: clinical testing. Allele origin: germline.
Comment: The DNA2 c.712C>G variant is predicted to result in the amino acid substitution p.Leu238Val. To our knowledge, this variant has not been reported in the literature. This variant is reported in 0.0044% of alleles in individuals of African descent in gnomAD. At this time, the clinical significance of this variant is uncertain due to the absence of conclusive functional and genetic evidence.

Labcorp Genetics (formerly Invitae), Labcorp
Classification: Uncertain significance. Last evaluated: 2025-07-20. Review status: criteria provided, single submitter. Criteria: Invitae Variant Classification Sherloc (09022015). Collection method: clinical testing. Allele origin: germline.
Comment: This sequence change replaces leucine, which is neutral and non-polar, with valine, which is neutral and non-polar, at codon 238 of the DNA2 protein (p.Leu238Val). This variant is present in population databases (rs774208232, gnomAD 0.004%). This variant has not been reported in the literature in individuals affected with DNA2-related conditions. ClinVar contains an entry for this variant (Variation ID: 1415789). Invitae Evidence Modeling of protein sequence and biophysical properties (such as structural, functional, and spatial information, amino acid conservation, physicochemical variation, residue mobility, and thermodynamic stability) indicates that this missense variant is not expected to disrupt DNA2 protein function with a negative predictive value of 80%. Algorithms developed to predict the effect of sequence changes on RNA splicing suggest that this variant may create or strengthen a splice site. In summary, the available evidence is currently insufficient to determine the role of this variant in disease. Therefore, it has been classified as a Variant of Uncertain Significance.